The following is an entry in ClinVar:

NM_025150.5(TARS2):c.2066G>A (p.Arg689His)

Gene: TARS2 (threonyl-tRNA synthetase 2, mitochondrial; plus strand). Cytogenetic location: 1q21.2.
Variant type: single nucleotide variant.
Coding change: c.2066G>A on transcript NM_025150.5 (MANE Select); coding-DNA position 2066, G replaced by A.
Protein change: p.Arg689His; replaces arginine 689 with histidine.
Molecular consequence: missense variant. On other transcripts: non-coding transcript variant (2).
Genome position (GRCh38, 1-based): chr1:150,506,973, G>A. VCF-style: chr1-150506973-G-A. GRCh37 (hg19) VCF-style: chr1-150479449-G-A.
Other names: c.1820G>A, p.Arg607His (NM_001271895.2); c.1676G>A, p.Arg559His (NM_001271896.2); short protein forms R559H, R607H, R689H.
Identifiers: ClinVar variation 1948187 (VCV001948187.5), dbSNP rs745798018, ClinGen allele CA1077250.

ClinVar aggregate classification (germline): Uncertain significance (1 of 4 stars; one submission).

Allele frequency attached by ClinVar (database versions not stated): ExAC 0.00001; gnomAD exomes 0.00001.
gnomAD v4.1: 10 of 1,614,134 alleles (0.00062%); highest among the groups gnomAD compares: Admixed American, 0.0033%; no homozygotes.

Submission:

Labcorp Genetics (formerly Invitae), Labcorp
Classification: Uncertain significance. Last evaluated: 2022-04-21. Review status: criteria provided, single submitter. Criteria: Invitae Variant Classification Sherloc (09022015). Collection method: clinical testing. Allele origin: germline.
Comment: In summary, the available evidence is currently insufficient to determine the role of this variant in disease. Therefore, it has been classified as a Variant of Uncertain Significance. Algorithms developed to predict the effect of missense changes on protein structure and function output the following: SIFT: "Tolerated"; PolyPhen-2: "Benign"; Align-GVGD: "Class C0". The histidine amino acid residue is found in multiple mammalian species, which suggests that this missense change does not adversely affect protein function. This variant has not been reported in the literature in individuals affected with TARS2-related conditions. This variant is present in population databases (rs745798018, gnomAD 0.006%). This sequence change replaces arginine, which is basic and polar, with histidine, which is basic and polar, at codon 689 of the TARS2 protein (p.Arg689His).